The following is an entry in ClinVar:

NM_000038.6(APC):c.3964G>C (p.Glu1322Gln)

Gene: APC (APC regulator of Wnt signaling pathway; plus strand). Cytogenetic location: 5q22.2.
Variant type: single nucleotide variant.
Coding change: c.3964G>C on transcript NM_000038.6 (MANE Select); coding-DNA position 3964, G replaced by C.
Protein change: p.Glu1322Gln; replaces glutamic acid 1322 with glutamine.
Molecular consequence: missense variant.
Genome position (GRCh38, 1-based): chr5:112,839,558, G>C. VCF-style: chr5-112839558-G-C. GRCh37 (hg19) VCF-style: chr5-112175255-G-C.
Other names: c.3964G>C, p.Glu1322Gln (NM_001127510.3, NM_001354895.2); c.3910G>C, p.Glu1304Gln (NM_001127511.3); c.4018G>C, p.Glu1340Gln (NM_001354896.2); c.3994G>C, p.Glu1332Gln (NM_001354897.2); c.3889G>C, p.Glu1297Gln (NM_001354898.2); c.3880G>C, p.Glu1294Gln (NM_001354899.2); c.3841G>C, p.Glu1281Gln (NM_001354900.2); c.3787G>C, p.Glu1263Gln (NM_001354901.2); and 5 more; short protein forms E1162Q, E1221Q, E1231Q, E1297Q, E1304Q, E1322Q, E1039Q, E1196Q.
Identifiers: ClinVar variation 918656 (VCV000918656.5), dbSNP rs752926571, ClinGen allele CA16030026.

ClinVar aggregate classification (germline): Uncertain significance. Review status: criteria provided, multiple submitters, no conflicts (2 of 4 stars). 2 submissions from 2 submitters: Uncertain significance (2). Last evaluated 2020-09-08.

Conditions:
Hereditary cancer-predisposing syndrome. Also called: Neoplastic Syndromes, Hereditary; Tumor predisposition; Hereditary Cancer Syndrome; Hereditary neoplastic syndrome. Identifiers: Orphanet 140162, MedGen C0027672, MeSH D009386, MONDO:0015356.

gnomAD v4.1: 1 of 1,614,178 alleles (0.000062%); highest among the groups gnomAD compares: South Asian, 0.0011%; no homozygotes.

Submissions (2):

Color Diagnostics, LLC DBA Color Health
Classification: Uncertain significance for Hereditary cancer-predisposing syndrome. Last evaluated: 2020-09-08. Review status: criteria provided, single submitter. Criteria: ACMG Guidelines, 2015. Collection method: clinical testing. Allele origin: germline.
Comment: This missense variant replaces glutamic acid with glutamine at codon 1322 of the APC protein. Computational prediction suggests that this variant may not impact protein structure and function (internally defined REVEL score threshold <= 0.5, PMID: 27666373). To our knowledge, functional studies have not been reported for this variant. This variant has not been reported in individuals affected with hereditary cancer in the literature. This variant has not been identified in the general population by the Genome Aggregation Database (gnomAD). The available evidence is insufficient to determine the role of this variant in disease conclusively. Therefore, this variant is classified as a Variant of Uncertain Significance.

Ambry Genetics
Classification: Uncertain significance for Hereditary cancer-predisposing syndrome. Last evaluated: 2020-06-26. Review status: criteria provided, single submitter. Criteria: Ambry Variant Classification Scheme 2023. Collection method: clinical testing. Allele origin: germline.
Comment: The p.E1322Q variant (also known as c.3964G>C), located in coding exon 15 of the APC gene, results from a G to C substitution at nucleotide position 3964. The glutamic acid at codon 1322 is replaced by glutamine, an amino acid with highly similar properties. This amino acid position is not well conserved in available vertebrate species, and glutamine is the reference amino acid in other vertebrate species. In addition, in silico predictors for this gene do not accurately predict pathogenicity. Since supporting evidence is limited at this time, the clinical significance of this alteration remains unclear.